The following is an entry in ClinVar:

NM_000548.5(TSC2):c.4973A>G (p.Lys1658Arg)

Gene: TSC2 (TSC complex subunit 2; plus strand). Cytogenetic location: 16p13.3.
Variant type: single nucleotide variant.
Coding change: c.4973A>G on transcript NM_000548.5 (MANE Select); coding-DNA position 4973, A replaced by G.
Protein change: p.Lys1658Arg; replaces lysine 1658 with arginine.
Molecular consequence: missense variant.
Genome position (GRCh38, 1-based): chr16:2,086,855, A>G. VCF-style: chr16-2086855-A-G. GRCh37 (hg19) VCF-style: chr16-2136856-A-G.
Other names: c.4772A>G, p.Lys1591Arg (NM_001077183.3); c.4904A>G, p.Lys1635Arg (NM_001114382.3); c.4664A>G, p.Lys1555Arg (NM_001318827.2); c.4628A>G, p.Lys1543Arg (NM_001318829.2); c.4241A>G, p.Lys1414Arg (NM_001318831.2); c.4805A>G, p.Lys1602Arg (NM_001318832.2); c.4775A>G, p.Lys1592Arg (NM_001363528.2); c.4841A>G, p.Lys1614Arg (NM_001370404.1); and 1 more; short protein forms K1658R, K1614R, K1414R, K1543R, K1555R, K1615R, K1592R, K1602R.
Identifiers: ClinVar variation 406065 (VCV000406065.19), dbSNP rs1050594534, ClinGen allele CA16615040.

ClinVar aggregate classification (germline): Conflicting classifications of pathogenicity. Review status: criteria provided, conflicting classifications (1 of 4 stars). 4 submissions from 4 submitters: Uncertain significance (2); Benign (1); Likely benign (1). Last evaluated 2025-07-13.

Conditions:
Hereditary cancer-predisposing syndrome. Also called: Tumor predisposition; Neoplastic Syndromes, Hereditary; Hereditary Cancer Syndrome; Hereditary neoplastic syndrome. Identifiers: Orphanet 140162, MedGen C0027672, MeSH D009386, MONDO:0015356.
Tuberous sclerosis syndrome (TSC). Also called: Tuberous Sclerosis Complex; Tuberous sclerosis. Identifiers: Orphanet 805, MedGen C0041341, MONDO:0001734.
Tuberous sclerosis 2 (TSC2). Identifiers: Orphanet 805, MedGen C1860707, MONDO:0013199, OMIM 613254.

Allele frequency attached by ClinVar (database versions not stated): gnomAD exomes below 0.00001; gnomAD 0.00002; TOPMed 0.00002.
gnomAD v4.1: 6 of 1,596,418 alleles (0.00038%); highest among the groups gnomAD compares: Non-Finnish European, 0.00051%; no homozygotes.

Submissions (4):

Labcorp Genetics (formerly Invitae), Labcorp
Classification: Benign for Tuberous sclerosis 2. Last evaluated: 2025-07-13. Review status: criteria provided, single submitter. Criteria: Invitae Variant Classification Sherloc (09022015). Collection method: clinical testing. Allele origin: germline.

Color Diagnostics, LLC DBA Color Health
Classification: Uncertain significance for Tuberous sclerosis syndrome. Last evaluated: 2024-07-08. Review status: criteria provided, single submitter. Criteria: ACMG Guidelines, 2015. Collection method: clinical testing. Allele origin: germline.
Comment: This missense variant replaces lysine with arginine at codon 1658 of the TSC2 protein. Computational prediction is inconclusive regarding the impact of this variant on protein structure and function. To our knowledge, functional studies have not been reported for this variant. This variant has not been reported in individuals affected with TSC2-related disorders in the literature. This variant has been identified in 1/219316 chromosomes in the general population by the Genome Aggregation Database (gnomAD). The available evidence is insufficient to determine the role of this variant in disease conclusively. Therefore, this variant is classified as a Variant of Uncertain Significance.

Ambry Genetics
Classification: Likely benign for Hereditary cancer-predisposing syndrome. Last evaluated: 2022-11-23. Review status: criteria provided, single submitter. Criteria: Ambry Variant Classification Scheme 2023. Collection method: clinical testing. Allele origin: germline.

Genome-Nilou Lab
Classification: Uncertain significance for Tuberous sclerosis 2. Last evaluated: 2021-11-07. Review status: criteria provided, single submitter. Criteria: ACMG Guidelines, 2015. Collection method: clinical testing. Allele origin: germline. Affected: no.